The following is an entry in ClinVar:

ClinVar aggregate classification (germline): Uncertain significance (1 of 4 stars; one submission).

Conditions:
Gorlin syndrome. Also called: Nevoid Basal Cell Carcinoma Syndrome; Basal cell nevus syndrome. Identifiers: Orphanet 377, MedGen C0004779, MONDO:0007187.

Submission:

Labcorp Genetics (formerly Invitae), Labcorp
Classification: Uncertain significance for Gorlin syndrome. Last evaluated: 2022-09-16. Review status: criteria provided, single submitter. Criteria: Invitae Variant Classification Sherloc (09022015). Collection method: clinical testing. Allele origin: germline.
Comment: This sequence change replaces serine, which is neutral and polar, with isoleucine, which is neutral and non-polar, at codon 837 of the PTCH2 protein (p.Ser837Ile). This variant has not been reported in the literature in individuals affected with PTCH2-related conditions. Algorithms developed to predict the effect of missense changes on protein structure and function are either unavailable or do not agree on the potential impact of this missense change (SIFT: "Not Available"; PolyPhen-2: "Possibly Damaging"; Align-GVGD: "Not Available"). In summary, the available evidence is currently insufficient to determine the role of this variant in disease. Therefore, it has been classified as a Variant of Uncertain Significance. This variant is present in population databases (no rsID available, gnomAD 0.1%).

NM_003738.5(PTCH2):c.2510_2511delinsTT (p.Ser837Ile)

Gene: PTCH2 (patched 2; minus strand). Cytogenetic location: 1p34.1.
Variant type: Indel.
Coding change: c.2510_2511delinsTT on transcript NM_003738.5 (MANE Select); coding-DNA positions 2510 to 2511, GC replaced by TT.
Protein change: p.Ser837Ile; replaces serine 837 with isoleucine.
Molecular consequence: missense variant.
Genome position (GRCh38, 1-based): chr1:44,827,170-44,827,171, GC replaced by AA on the plus strand (GC replaced by TT on the coding strand, the reverse complement: PTCH2 is on the minus strand). VCF-style: chr1-44827170-GC-AA. GRCh37 (hg19) VCF-style: chr1-45292842-GC-AA.
Other names: c.2510_2511delinsTT, p.Ser837Ile (NM_001166292.2); short protein forms S837I.
Identifiers: ClinVar variation 2053424 (VCV002053424.4), dbSNP rs2521954540, ClinGen allele CA2580062879.